The following is an entry in ClinVar:

NM_006721.4(ADK):c.66-23911C>T

Gene: ADK (adenosine kinase; plus strand). Cytogenetic location: 10q22.2.
Variant type: single nucleotide variant.
Coding change: c.66-23911C>T on transcript NM_006721.4 (MANE Select); 23911 bases into the intron before coding-DNA position 66, C replaced by T.
Molecular consequence: intron variant. On other transcripts: 5 prime UTR variant (3).
Genome position (GRCh38, 1-based): chr10:74,176,853, C>T. VCF-style: chr10-74176853-C-T. GRCh37 (hg19) VCF-style: chr10-75936611-C-T.
Other names: c.-20C>T (NM_001123.4, NM_001202449.2, NM_001369124.1); c.66-23911C>T (NM_001369123.1, NM_001202450.2).
Identifiers: ClinVar variation 300835 (VCV000300835.8), dbSNP rs10824095, ClinGen allele CA5563828.

ClinVar aggregate classification (germline): Benign. Review status: criteria provided, multiple submitters, no conflicts (2 of 4 stars). 4 submissions from 4 submitters: Benign (4). Last evaluated 2024-11-27.

Conditions:
Adenosine kinase deficiency. Also called: MENTAL RETARDATION, AUTOSOMAL RECESSIVE 8; Hypermethioninemia due to adenosine kinase deficiency. Identifiers: Orphanet 289290, Orphanet 88616, MedGen C4706555, MONDO:0100255, OMIM 614300.

Allele frequency attached by ClinVar (database versions not stated): 1000 Genomes Project 30x 0.64022; gnomAD exomes 0.67423; ExAC 0.68122; gnomAD 0.73598 and 0.74804; TOPMed 0.73846; 1000 Genomes Project 0.63019; ESP Exome Variant Server 0.77360.
gnomAD v4.1: 1,156,058 of 1,607,474 alleles (72%); highest among the groups gnomAD compares: Middle Eastern, 85%; 421,790 homozygotes.

Submissions (4):

Blueprint Genetics
Classification: Benign. Last evaluated: 2024-11-27. Review status: criteria provided, single submitter. Criteria: ACMG Guidelines, 2015. Collection method: clinical testing. Allele origin: germline.

GeneDx
Classification: Benign. Last evaluated: 2021-05-08. Review status: criteria provided, single submitter. Criteria: GeneDx Variant Classification Process June 2021. Collection method: clinical testing. Allele origin: germline. Affected: yes.

Illumina Laboratory Services, Illumina
Classification: Benign for Adenosine kinase deficiency. Last evaluated: 2018-01-13. Review status: criteria provided, single submitter. Criteria: ICSL Variant Classification Criteria 13 December 2019. Collection method: clinical testing. Allele origin: germline.
Comment: This variant was observed in the ICSL laboratory as part of a predisposition screen in an ostensibly healthy population. It had not been previously curated by ICSL or reported in the Human Gene Mutation Database (HGMD: prior to June 1st, 2018), and was therefore a candidate for classification through an automated scoring system. Utilizing variant allele frequency, disease prevalence and penetrance estimates, and inheritance mode, an automated score was calculated to assess if this variant is too frequent to cause the disease. Based on the score and internal cut-off values, a variant classified as benign is not then subjected to further curation. The score for this variant resulted in a classification of benign for this disease.

Breakthrough Genomics
Classification: Benign. Review status: criteria provided, single submitter. Criteria: ACMG Guidelines, 2015. Collection method: not provided. Allele origin: germline. Inheritance: Autosomal recessive inheritance. Affected: yes.